The following is an entry in ClinVar:

ClinVar aggregate classification (germline): Pathogenic (1 of 4 stars; one submission).

Conditions:
Autosomal recessive limb-girdle muscular dystrophy type 2A (LGMDR1). Also called: Muscular dystrophy, limb-girdle, type 2A, Amish; LEYDEN-MOEBIUS MUSCULAR DYSTROPHY; MUSCULAR DYSTROPHY, PELVOFEMORAL; Limb-girdle muscular dystrophy, type 2A; Calpainopathy. Identifiers: Orphanet 267, MedGen C1869123, MONDO:0009675, OMIM 253600. Disease mechanism: loss of function.

Submission:

Labcorp Genetics (formerly Invitae), Labcorp
Classification: Pathogenic for Autosomal recessive limb-girdle muscular dystrophy type 2A. Last evaluated: 2025-06-11. Review status: criteria provided, single submitter. Criteria: Invitae Variant Classification Sherloc (09022015). Collection method: clinical testing. Allele origin: germline.
Comment: This sequence change creates a premature translational stop signal (p.Tyr734*) in the CAPN3 gene. It is expected to result in an absent or disrupted protein product. Loss-of-function variants in CAPN3 are known to be pathogenic (PMID: 10330340, 15689361). This variant is not present in population databases (gnomAD no frequency). This premature translational stop signal has been observed in individual(s) with limb-girdle muscular dystrophy (PMID: 33899113). For these reasons, this variant has been classified as Pathogenic.

Literature cited by the submitters: PubMed 10330340; PubMed 15689361; PubMed 33899113.

NM_000070.3(CAPN3):c.2202_2220del (p.His733_Tyr734insTer)

Gene: CAPN3 (calpain 3; plus strand). Cytogenetic location: 15q15.1.
Variant type: Deletion.
Coding change: c.2202_2220del on transcript NM_000070.3 (MANE Select); coding-DNA positions 2202 to 2220, 19 bases deleted (TGACACAGACCAGTCCGGC).
Protein change: p.His733_Tyr734insTer.
Molecular consequence: nonsense.
Genome position (GRCh38, 1-based): chr15:42,410,605-42,410,623, TGACACAGACCAGTCCGGC deleted. VCF-style (leftmost placement, unchanged base first): chr15-42410604-ATGACACAGACCAGTCCGGC-A. GRCh37 (hg19) VCF-style: chr15-42702802-ATGACACAGACCAGTCCGGC-A.
Other names: c.2184_2202del, p.His727_Tyr728insTer (NM_024344.2); c.1926_1944del, p.His641_Tyr642insTer (NM_173087.2); c.666_684del, p.His221_Tyr222insTer (NM_173088.2); c.207_225del, p.His68_Tyr69insTer (NM_173089.2, NM_173090.2).
Identifiers: ClinVar variation 4721249 (VCV004721249.1).
Genomic context (GRCh38, chr15:42,410,604, plus strand): 5'-GAGATTCAGTGTGTGACCTCCATCCTCAAATTTTCTATTGCCAGAAAATTTTCAAACACT[ATGACACAGACCAGTCCGGC>A]ACCATCAACAGCTACGAGATGCGAAATGCAGTCAACGACGCAGGTGCTGAGAAGGAAGGG-3'